The following is an entry in ClinVar:

NC_000021.8:g.(?_47744143)_(47744216_?)del

Gene: PCNT (pericentrin; plus strand). Cytogenetic location: 21q22.3.
Variant type: Deletion.
Identifiers: ClinVar variation 3248188 (VCV003248188.1).

ClinVar aggregate classification (germline): Pathogenic (1 of 4 stars; one submission).

Submission:

Labcorp Genetics (formerly Invitae), Labcorp
Classification: Pathogenic. Last evaluated: 2023-08-09. Review status: criteria provided, single submitter. Criteria: Invitae Variant Classification Sherloc (09022015). Collection method: clinical testing. Allele origin: unknown.
Comment: This variant is a gross deletion of the genomic region encompassing exon(s) 1 of the PCNT gene, which includes the initiator codon. This deletion extends beyond the assayed region for this gene and therefore may encompass additional genes. It is expected to result in an absent or disrupted protein product. Loss-of-function variants in PCNT are known to be pathogenic (PMID: 18174396, 22821869). This variant has not been reported in the literature in individuals affected with PCNT-related conditions. For these reasons, this variant has been classified as Pathogenic.

Literature cited by the submitters: PubMed 18174396; PubMed 22821869.